The following is an entry in ClinVar:

NM_005236.3(ERCC4):c.1577C>T (p.Pro526Leu)

Gene: ERCC4 (ERCC excision repair 4, endonuclease catalytic subunit; plus strand). Cytogenetic location: 16p13.12.
Variant type: single nucleotide variant.
Coding change: c.1577C>T on transcript NM_005236.3 (MANE Select); coding-DNA position 1577, C replaced by T.
Protein change: p.Pro526Leu; replaces proline 526 with leucine.
Molecular consequence: missense variant.
Genome position (GRCh38, 1-based): chr16:13,935,509, C>T. VCF-style: chr16-13935509-C-T. GRCh37 (hg19) VCF-style: chr16-14029366-C-T.
Other names: short protein forms P526L.
Identifiers: ClinVar variation 1356203 (VCV001356203.8), dbSNP rs149056863, ClinGen allele CA7910497.

ClinVar aggregate classification (germline): Uncertain significance. Review status: criteria provided, multiple submitters, no conflicts (2 of 4 stars). 2 submissions from 2 submitters: Uncertain significance (2). Last evaluated 2024-07-01.

Conditions:
Xeroderma pigmentosum, group F (XPF). Also called: ERCC4-Related Xeroderma Pigmentosum; XERODERMA PIGMENTOSUM VI; XP, GROUP F; XERODERMA PIGMENTOSUM, TYPE F; Xeroderma pigmentosum, type 6; XERODERMA PIGMENTOSUM, COMPLEMENTATION GROUP F. Identifiers: MedGen C0268140, MONDO:0010215, OMIM 278760.
Cockayne syndrome. Identifiers: Orphanet 191, MedGen C0009207, MONDO:0016006.
Fanconi anemia complementation group Q. Identifiers: Orphanet 84, MedGen C3808988, MONDO:0014108, OMIM 615272.
XFE progeroid syndrome (XFEPS). Also called: XPF-ERCC1 PROGEROID SYNDROME. Identifiers: MedGen C1970416, MONDO:0012590, OMIM 610965.

Allele frequency attached by ClinVar (database versions not stated): gnomAD exomes 0.00003; ESP Exome Variant Server 0.00008.

Submissions (2):

Labcorp Genetics (formerly Invitae), Labcorp
Classification: Uncertain significance for Fanconi anemia complementation group Q; Xeroderma pigmentosum, group F; Cockayne syndrome. Last evaluated: 2024-07-01. Review status: criteria provided, single submitter. Criteria: Invitae Variant Classification Sherloc (09022015). Collection method: clinical testing. Allele origin: germline.
Comment: This sequence change replaces proline, which is neutral and non-polar, with leucine, which is neutral and non-polar, at codon 526 of the ERCC4 protein (p.Pro526Leu). This variant is present in population databases (rs149056863, gnomAD 0.006%). This variant has not been reported in the literature in individuals affected with ERCC4-related conditions. ClinVar contains an entry for this variant (Variation ID: 1356203). Advanced modeling of protein sequence and biophysical properties (such as structural, functional, and spatial information, amino acid conservation, physicochemical variation, residue mobility, and thermodynamic stability) performed at Invitae indicates that this missense variant is not expected to disrupt ERCC4 protein function with a negative predictive value of 80%. In summary, the available evidence is currently insufficient to determine the role of this variant in disease. Therefore, it has been classified as a Variant of Uncertain Significance.

Fulgent Genetics
Classification: Uncertain significance for Xeroderma pigmentosum, group F; XFE progeroid syndrome; Fanconi anemia complementation group Q. Last evaluated: 2024-02-27. Review status: criteria provided, single submitter. Criteria: ACMG Guidelines, 2015. Collection method: clinical testing. Allele origin: germline.